The following is an entry in ClinVar:

ClinVar aggregate classification (germline): Uncertain significance (1 of 4 stars; one submission).

gnomAD v4.1: 8 of 1,613,926 alleles (0.0005%); highest among the groups gnomAD compares: Admixed American, 0.0017%; no homozygotes.

Submission:

GeneDx
Classification: Uncertain significance. Last evaluated: 2025-02-26. Review status: criteria provided, single submitter. Criteria: GeneDx Variant Classification Process June 2021. Collection method: clinical testing. Allele origin: germline. Affected: yes.
Comment: Not observed at significant frequency in large population cohorts (gnomAD); In silico analysis supports that this missense variant has a deleterious effect on protein structure/function; Has not been previously published as pathogenic or benign to our knowledge

NM_005548.3(KARS1):c.1270G>A (p.Asp424Asn)

Gene: KARS1 (lysyl-tRNA synthetase 1; minus strand). Cytogenetic location: 16q23.1.
Variant type: single nucleotide variant.
Coding change: c.1270G>A on transcript NM_005548.3 (MANE Select); coding-DNA position 1270, G replaced by A.
Protein change: p.Asp424Asn; replaces aspartic acid 424 with asparagine.
Molecular consequence: missense variant.
Genome position (GRCh38, 1-based): chr16:75,631,236, C>T on the plus strand (G>A on the coding strand, the complement: KARS1 is on the minus strand). VCF-style: chr16-75631236-C-T. GRCh37 (hg19) VCF-style: chr16-75665134-C-T.
Other names: c.1354G>A, p.Asp452Asn (NM_001130089.2); c.802G>A, p.Asp268Asn (NM_001378148.1); short protein forms D268N, D424N, D452N.
Identifiers: ClinVar variation 4077286 (VCV004077286.1).